The following is an entry in ClinVar:

ClinVar aggregate classification (germline): Uncertain significance (1 of 4 stars; one submission).

Conditions:
Congenital myopathy with internal nuclei and atypical cores. Also called: Myopathy, centronuclear, 4. Identifiers: Orphanet 319160, MedGen C4707232, MONDO:0013890, OMIM 614807.

Allele frequency attached by ClinVar (database versions not stated): gnomAD exomes below 0.00001.

Submission:

Labcorp Genetics (formerly Invitae), Labcorp
Classification: Uncertain significance for Congenital myopathy with internal nuclei and atypical cores. Last evaluated: 2022-08-15. Review status: criteria provided, single submitter. Criteria: Invitae Variant Classification Sherloc (09022015). Collection method: clinical testing. Allele origin: germline.
Comment: Algorithms developed to predict the effect of missense changes on protein structure and function output the following: SIFT: "Tolerated"; PolyPhen-2: "Benign"; Align-GVGD: "Class C0". The arginine amino acid residue is found in multiple mammalian species, which suggests that this missense change does not adversely affect protein function. This sequence change replaces glycine, which is neutral and non-polar, with arginine, which is basic and polar, at codon 167 of the CCDC78 protein (p.Gly167Arg). This variant is not present in population databases (gnomAD no frequency). This variant has not been reported in the literature in individuals affected with CCDC78-related conditions. ClinVar contains an entry for this variant (Variation ID: 1016411). In summary, the available evidence is currently insufficient to determine the role of this variant in disease. Therefore, it has been classified as a Variant of Uncertain Significance.

NM_001378030.1(CCDC78):c.499G>A (p.Gly167Arg)

Gene: CCDC78 (coiled-coil domain containing 78; minus strand). Cytogenetic location: 16p13.3.
Variant type: single nucleotide variant.
Coding change: c.499G>A on transcript NM_001378030.1 (MANE Select); coding-DNA position 499, G replaced by A.
Protein change: p.Gly167Arg; replaces glycine 167 with arginine.
Molecular consequence: missense variant. On other transcripts: non-coding transcript variant (5).
Genome position (GRCh38, 1-based): chr16:725,139, C>T on the plus strand (G>A on the coding strand, the complement: CCDC78 is on the minus strand). VCF-style: chr16-725139-C-T. GRCh37 (hg19) VCF-style: chr16-775139-C-T.
Other names: c.499G>A, p.Gly167Arg (NM_001031737.3, NM_001378031.1); c.137G>A, p.Gly46Glu (NM_001378033.1); short protein forms G167R, G46E.
Identifiers: ClinVar variation 1016411 (VCV001016411.8), dbSNP rs2040740740, ClinGen allele CA394102409.
Genomic context (GRCh38, chr16:725,139, plus strand): 5'-CACGCGTCACCAGTGCCTGCTGCCGGGCCTCCTGATGCTCCAGCGCCCACTTCACTTCCC[C>T]CTGCAGCTGTGGGGCACACAGGGCTGGCTGGATGAGACCCTAGGCTTGGGGTCTCTGGTG-3'
Protein context (NP_001364959.1, residues 157-177): EQHRLGSGLQ[Gly167Arg]EVKWALEHQE